The following is an entry in ClinVar:

ClinVar aggregate classification (germline): Benign. Review status: criteria provided, multiple submitters, no conflicts (2 of 4 stars). 3 submissions from 3 submitters: Benign (3). Last evaluated 2024-07-15.

Allele frequency attached by ClinVar (database versions not stated): gnomAD 0.29087 and 0.29504; TOPMed 0.32260; 1000 Genomes Project 30x 0.36430; 1000 Genomes Project 0.36442.
gnomAD v4.1: 157,871 of 746,224 alleles (21%); highest among the groups gnomAD compares: African/African-American, 54%; 24,480 homozygotes.

Submissions (3):

Unidad de Genómica Garrahan, Hospital de Pediatría Garrahan
Classification: Benign. Last evaluated: 2024-07-15. Review status: criteria provided, single submitter. Criteria: ACMG Guidelines, 2015. Collection method: clinical testing. Allele origin: germline. Affected: no. Observed: 37 variant alleles.
Comment: This variant is classified as Benign based on local population frequency. This variant was detected in 40% of patients studied in a panel designed for Epileptic and Developmental Encephalopathy and Progressive Myoclonus Epilepsy. Number of patients: 37. Only high quality variants are reported.

GeneDx
Classification: Benign. Last evaluated: 2021-05-10. Review status: criteria provided, single submitter. Criteria: GeneDx Variant Classification Process June 2021. Collection method: clinical testing. Allele origin: germline. Affected: yes.

Breakthrough Genomics
Classification: Benign. Review status: criteria provided, single submitter. Criteria: ACMG Guidelines, 2015. Collection method: not provided. Allele origin: germline. Inheritance: Autosomal recessive inheritance. Affected: yes.

NM_006030.4(CACNA2D2):c.465+130G>C

Gene: CACNA2D2 (calcium voltage-gated channel auxiliary subunit alpha2delta 2; minus strand). Cytogenetic location: 3p21.31.
Variant type: single nucleotide variant.
Coding change: c.465+130G>C on transcript NM_006030.4 (MANE Select); 130 bases into the intron after coding-DNA position 465, G replaced by C.
Molecular consequence: intron variant.
Genome position (GRCh38, 1-based): chr3:50,393,979, C>G on the plus strand (G>C on the coding strand, the complement: CACNA2D2 is on the minus strand). VCF-style: chr3-50393979-C-G. GRCh37 (hg19) VCF-style: chr3-50431410-C-G.
Other names: c.258+130G>C (NM_001291101.1); c.465+130G>C (NM_001005505.3, NM_001174051.3).
Identifiers: ClinVar variation 1283385 (VCV001283385.4), dbSNP rs734767, ClinGen allele CA11360576.